The following is an entry in ClinVar:

ClinVar aggregate classification (germline): Uncertain significance. Review status: criteria provided, multiple submitters, no conflicts (2 of 4 stars). 5 submissions from 5 submitters: Uncertain significance (5). Last evaluated 2025-04-29.

Conditions:
Inborn genetic diseases. Identifiers: MedGen C0950123, MeSH D030342.
Developmental and epileptic encephalopathy, 25 (DEE25). Also called: Epileptic encephalopathy, early infantile, 25; Developmental and epileptic encephalopathy 25, with amelogenesis imperfecta; Epileptic encephalopathy, early infantile, 25, with amelogenesis imperfecta. Identifiers: Orphanet 442835, MedGen C4014621, MONDO:0014392, OMIM 615905.

Allele frequency attached by ClinVar (database versions not stated): gnomAD exomes 0.00007 and 0.00009; gnomAD 0.00011 and 0.00013; ExAC 0.00015; ESP Exome Variant Server 0.00015; TOPMed 0.00020.
gnomAD v4.1: 131 of 1,614,086 alleles (0.0081%); highest among the groups gnomAD compares: Middle Eastern, 0.033%; no homozygotes.

Submissions (5):

Ambry Genetics
Classification: Uncertain significance for Inborn genetic diseases. Last evaluated: 2025-04-29. Review status: criteria provided, single submitter. Criteria: Ambry Variant Classification Scheme 2023. Collection method: clinical testing. Allele origin: germline.

Blueprint Genetics
Classification: Uncertain significance. Last evaluated: 2024-11-21. Review status: criteria provided, single submitter. Criteria: ACMG Guidelines, 2015. Collection method: clinical testing. Allele origin: germline.

GeneDx
Classification: Uncertain significance. Last evaluated: 2024-05-22. Review status: criteria provided, single submitter. Criteria: GeneDx Variant Classification Process June 2021. Collection method: clinical testing. Allele origin: germline. Affected: yes.
Comment: In silico analysis supports that this missense variant has a deleterious effect on protein structure/function; Has not been previously published as pathogenic or benign to our knowledge

Labcorp Genetics (formerly Invitae), Labcorp
Classification: Uncertain significance for Developmental and epileptic encephalopathy, 25. Last evaluated: 2022-10-31. Review status: criteria provided, single submitter. Criteria: Invitae Variant Classification Sherloc (09022015). Collection method: clinical testing. Allele origin: germline.
Comment: This sequence change replaces alanine, which is neutral and non-polar, with valine, which is neutral and non-polar, at codon 251 of the SLC13A5 protein (p.Ala251Val). This variant is present in population databases (rs150517372, gnomAD 0.02%). This variant has not been reported in the literature in individuals affected with SLC13A5-related conditions. ClinVar contains an entry for this variant (Variation ID: 569521). Advanced modeling of protein sequence and biophysical properties (such as structural, functional, and spatial information, amino acid conservation, physicochemical variation, residue mobility, and thermodynamic stability) performed at Invitae indicates that this missense variant is not expected to disrupt SLC13A5 protein function. In summary, the available evidence is currently insufficient to determine the role of this variant in disease. Therefore, it has been classified as a Variant of Uncertain Significance.

Genome-Nilou Lab
Classification: Uncertain significance for Developmental and epileptic encephalopathy, 25. Last evaluated: 2021-07-15. Review status: criteria provided, single submitter. Criteria: ACMG Guidelines, 2015. Collection method: clinical testing. Allele origin: germline. Affected: no.

NM_177550.5(SLC13A5):c.752C>T (p.Ala251Val)

Gene: SLC13A5 (solute carrier family 13 member 5; minus strand). Cytogenetic location: 17p13.1.
Variant type: single nucleotide variant.
Coding change: c.752C>T on transcript NM_177550.5 (MANE Select); coding-DNA position 752, C replaced by T.
Protein change: p.Ala251Val; replaces alanine 251 with valine.
Molecular consequence: missense variant.
Genome position (GRCh38, 1-based): chr17:6,701,091, G>A on the plus strand (C>T on the coding strand, the complement: SLC13A5 is on the minus strand). VCF-style: chr17-6701091-G-A. GRCh37 (hg19) VCF-style: chr17-6604410-G-A.
Other names: c.752C>T, p.Ala251Val (NM_001143838.3); c.701C>T, p.Ala234Val (NM_001284509.2); c.623C>T, p.Ala208Val (NM_001284510.2); c.752C>T (NM_177550.3); short protein forms A251V, A208V, A234V.
Identifiers: ClinVar variation 569521 (VCV000569521.15), dbSNP rs150517372, ClinGen allele CA8331610.